The following continues an entry in ClinVar:

NM_000258.3(MYL3):c.460C>T (p.Arg154Cys)

Gene: MYL3. ClinVar aggregate classification (germline): Uncertain significance. Uncertain significance (1).

Submissions 9 to 13 of 13:

Women's Health and Genetics/Laboratory Corporation of America, LabCorp
Classification: Uncertain significance. Last evaluated: 2021-01-28. Review status: criteria provided, single submitter. Criteria: LabCorp Variant Classification Summary - May 2015. Collection method: clinical testing. Allele origin: germline. Not counted in ClinVar's aggregate classification.
Comment: Variant summary: MYL3 c.460C>T (p.Arg154Cys) results in a non-conservative amino acid change located in the EF-hand domain (IPR002048) of the encoded protein sequence. Five of five in-silico tools predict a damaging effect of the variant on protein function. The variant allele was found at a frequency of 1.6e-05 in 251410 control chromosomes (gnomAD v2.1). The available data on variant occurrences in the general population are insufficient to allow any conclusion about variant significance. c.460C>T has been reported in the literature in individuals affected with Hypertrophic Cardiomyopathy (HCM), however, in most of these cases without strong evidence for causality (e.g. Zou_2013, Lopes_2013, Wang_2014, Walsh_2017). The variant was also reported to be found in large scale population based sequencing projects, but no phenotype was provided for these individuals (Amendola_2015, Narang_2020). These reports therefore do not provide unequivocal conclusions about association of the variant with Hypertrophic Cardiomyopathy. To our knowledge, no experimental evidence demonstrating an impact on protein function has been reported. A different missense variant affecting the same amino acid residue (R154H) has been reported in association with HCM (HGMD), but was also found in several controls (gnomAD). Five clinical diagnostic laboratories have submitted clinical-significance assessments for this variant to ClinVar after 2014 without evidence for independent evaluation. All laboratories classified the variant as uncertain significance. Based on the evidence outlined above, the variant was classified as uncertain significance.

Laboratory for Molecular Medicine, Mass General Brigham Personalized Medicine
Classification: Uncertain significance. Last evaluated: 2015-04-13. Review status: criteria provided, single submitter. Criteria: LMM Criteria. Collection method: clinical testing. Allele origin: germline. Observed: 7 variant alleles. Not counted in ClinVar's aggregate classification.
Comment: Variant classified as Uncertain Significance - Favor Pathogenic. This variant has also be en identified in 1/67688 European chromosomes by the Exome Aggregation Consortiu m (ExAC; dbSNP rs143852164). Computational predi ction tools and conservation analysis suggest that this variant may impact the p rotein, though this information is not predictive enough to determine pathogenic ity. In addition, a different amino acid change at this position (p.Arg154His) h as also been reported in several individuals with HCM (Poetter 1996, LMM unpubli shed data), supporting that a change at this position may not be tolerated. In s ummary, while there is some suspicion for a pathogenic role, the clinical signif icance of the p.Arg154Cys variant is uncertain.

Neuberg Centre For Genomic Medicine, NCGM
Classification: Uncertain significance for Hypertrophic cardiomyopathy 8. Review status: criteria provided, single submitter. Criteria: ACMG Guidelines, 2015. Collection method: clinical testing. Allele origin: germline. Inheritance: Autosomal dominant inheritance. Affected: yes. Not counted in ClinVar's aggregate classification.
Comment: The missense variant c.460C>Tp.Arg154Cys in the MYL3 gene has been reported previously in heterozygous state in individuals affected with hypertrophic cardiomyopathy. Functional studies of this variant indicates a reduction of transactivation activity compared to normal protein Bonaventura et al., 2019; Walsh et al., 2017. This variant is reported with the allele frequency 0.001% in the gnomAD and novel in the 1000 genome database. It is submitted to ClinVar as Uncertain significance Multiple Submissions. The amino acid Arginine at position 154 is changed to a Cysteine changing protein sequence and it might alter its composition and physico-chemical properties. The variant is predicted as damaging by SIFT. The amino acid change p.Arg154Cys in MYL3 is predicted as conserved by GERP++ and PhyloP across 100 vertebrates. Since supporting evidence is limited at this time, the clinical significance of this alteration remains unclear. For these reasons, this variant has been classified as Uncertain significance.

Agnes Ginges Centre for Molecular Cardiology, Centenary Institute
Classification: Uncertain significance for Hypertrophic cardiomyopathy. Last evaluated: 2020-04-07. Review status: no assertion criteria provided. Collection method: research. Allele origin: germline. Inheritance: Autosomal dominant inheritance. Affected: yes. Not counted in ClinVar's aggregate classification.
Comment: This variant has been identified as part of our research program. For further information please feel free to contact us.

CSER _CC_NCGL, University of Washington
Classification: Uncertain significance for Cardiomyopathy, hypertrophic. Last evaluated: 2014-06-01. Review status: no assertion criteria provided. Collection method: research. Allele origin: germline. Inheritance: Autosomal dominant inheritance. Study: ESP 6500 variant annotation. Not counted in ClinVar's aggregate classification.
Comment: Variants classified for the Actionable exomic incidental findings in 6503 participants: challenges of variant classification manuscript

Literature cited by the submitters: PubMed 23283745 (cited by 8 submitters); PubMed 27532257 (cited by 6 submitters); PubMed 31110529 (cited by 5 submitters); PubMed 35026164 (cited by Ambry Genetics and Color Diagnostics, LLC DBA Color Health); PubMed 37431535 (cited by Ambry Genetics and Color Diagnostics, LLC DBA Color Health); PubMed 25351510 (cited by Labcorp Genetics (formerly Invitae), Labcorp and Agnes Ginges Centre for Molecular Cardiology, Centenary Institute); PubMed 37652022 (cited by Labcorp Genetics (formerly Invitae), Labcorp and Color Diagnostics, LLC DBA Color Health); PubMed 23396983 (cited by 4 submitters); PubMed 33495597 (cited by Color Diagnostics, LLC DBA Color Health and All of Us Research Program, National Institutes of Health); PubMed 8673105 (cited by 3billion and Laboratory for Molecular Medicine, Mass General Brigham Personalized Medicine); PubMed 25637381 (cited by Women's Health and Genetics/Laboratory Corporation of America, LabCorp and Laboratory for Molecular Medicine, Mass General Brigham Personalized Medicine); PubMed 25132132 (cited by Women's Health and Genetics/Laboratory Corporation of America, LabCorp); PubMed 28301460 (cited by Women's Health and Genetics/Laboratory Corporation of America, LabCorp); PubMed 32906206 (cited by Women's Health and Genetics/Laboratory Corporation of America, LabCorp).